The following is an entry in ClinVar:

NM_001099646.3(SLC47A2):c.1320C>G (p.Ala440=)

Gene: SLC47A2 (solute carrier family 47 member 2; minus strand). Cytogenetic location: 17p11.2.
Variant type: single nucleotide variant.
Coding change: c.1320C>G on transcript NM_001099646.3 (MANE Select); coding-DNA position 1320, C replaced by G.
Protein change: p.Ala440=; no amino-acid change (alanine 440 retained).
Molecular consequence: synonymous variant. On other transcripts: non-coding transcript variant (2).
Genome position (GRCh38, 1-based): chr17:19,681,439, G>C on the plus strand (C>G on the coding strand, the complement: SLC47A2 is on the minus strand). VCF-style: chr17-19681439-G-C. GRCh37 (hg19) VCF-style: chr17-19584752-G-C.
Other names: c.1362C>G, p.Ala454= (NM_001256663.3); c.1428C>G, p.Ala476= (NM_152908.5).
Identifiers: ClinVar variation 3257582 (VCV003257582.17).

ClinVar aggregate classification (germline): Benign (1 of 4 stars; one submission).

gnomAD v4.1: 16,269 of 1,613,902 alleles (1%); highest among the groups gnomAD compares: Middle Eastern, 1.2%; 108 homozygotes.

Submission:

CeGaT Center for Human Genetics Tuebingen
Classification: Benign. Last evaluated: 2026-05-01. Review status: criteria provided, single submitter. Criteria: CeGaT Center For Human Genetics Tuebingen Variant Classification Criteria Version 2. Collection method: clinical testing. Allele origin: germline. Affected: yes. Observed: 15 variant alleles.
Comment: SLC47A2: BP4, BP7, BS1, BS2